The following is an entry in ClinVar:

NM_014727.3(KMT2B):c.3419G>T (p.Arg1140Leu)

Gene: KMT2B (lysine methyltransferase 2B; plus strand). Cytogenetic location: 19q13.12.
Variant type: single nucleotide variant.
Coding change: c.3419G>T on transcript NM_014727.3 (MANE Select); coding-DNA position 3419, G replaced by T.
Protein change: p.Arg1140Leu; replaces arginine 1140 with leucine.
Molecular consequence: missense variant.
Genome position (GRCh38, 1-based): chr19:35,724,721, G>T. VCF-style: chr19-35724721-G-T. GRCh37 (hg19) VCF-style: chr19-36215622-G-T.
Other names: short protein forms R1140L.
Identifiers: ClinVar variation 3698459 (VCV003698459.2).

ClinVar aggregate classification (germline): Uncertain significance (1 of 4 stars; one submission).

Submission:

Labcorp Genetics (formerly Invitae), Labcorp
Classification: Uncertain significance. Last evaluated: 2024-08-02. Review status: criteria provided, single submitter. Criteria: Invitae Variant Classification Sherloc (09022015). Collection method: clinical testing. Allele origin: germline.
Comment: This sequence change replaces arginine, which is basic and polar, with leucine, which is neutral and non-polar, at codon 1140 of the KMT2B protein (p.Arg1140Leu). This variant is not present in population databases (gnomAD no frequency). This variant has not been reported in the literature in individuals affected with KMT2B-related conditions. Advanced modeling of protein sequence and biophysical properties (such as structural, functional, and spatial information, amino acid conservation, physicochemical variation, residue mobility, and thermodynamic stability) performed at Invitae indicates that this missense variant is not expected to disrupt KMT2B protein function with a negative predictive value of 95%. In summary, the available evidence is currently insufficient to determine the role of this variant in disease. Therefore, it has been classified as a Variant of Uncertain Significance.